The following is an entry in ClinVar:

NM_017917.4(PPP2R3C):c.1174-1G>A

Genes: PPP2R3C (protein phosphatase 2 regulatory subunit B''gamma; minus strand), LOC101927178 (uncharacterized LOC101927178; plus strand). Cytogenetic location: 14q13.2.
Variant type: single nucleotide variant.
Coding change: c.1174-1G>A on transcript NM_017917.4 (MANE Select); the canonical splice acceptor site of the intron before coding-DNA position 1174, G replaced by A.
Molecular consequence: splice acceptor variant.
Genome position (GRCh38, 1-based): chr14:35,085,779, C>T on the plus strand (G>A on the coding strand, the complement: PPP2R3C is on the minus strand). VCF-style: chr14-35085779-C-T. GRCh37 (hg19) VCF-style: chr14-35554985-C-T.
Other names: c.844-1G>A (NM_001305156.2, NM_001305155.2).
Identifiers: ClinVar variation 3387790 (VCV003387790.2).
Genomic context (GRCh38, chr14:35,085,779, plus strand): 5'-TAAATCCTGAAGAGAGATTTTCAAAGGATCCTTTGGTTTTACCATGTCAAAGATTTCATC[C>T]TGCAAGAGAAAAAAAAATACAATGAAATTTGATCCACTTAATTTCTATCACACATAGTGA-3'

ClinVar aggregate classification (germline): Likely pathogenic (1 of 4 stars; one submission).

Conditions:
Spermatogenic failure 36. Identifiers: MedGen C5193086, MONDO:0032739, OMIM 618420.

gnomAD v4.1: 5 of 1,588,780 alleles (0.00031%); highest among the groups gnomAD compares: Non-Finnish European, 0.00043%; no homozygotes.

Submission:

EVOGEN
Classification: Likely pathogenic for Spermatogenic failure 36. Review status: criteria provided, single submitter. Criteria: ACMG Guidelines, 2015. Collection method: clinical testing. Allele origin: germline. Inheritance: Autosomal dominant inheritance. Affected: yes.
Comment: PVS1: Null variant (intronic within ±2 of splice site) in gene PPP2R3C. Loss-of-function is a known mechanism of disease (gnomAD Loss-of-Function Observed/Expected = 0.693 is less than 0.755). PM2: Variant not found in gnomAD genomes, good gnomAD genomes coverage = 31.1. GnomAD exomes homozygous allele count = 0 is less than 2 for AR gene PPP2R3C, good gnomAD exomes coverage = 28.2.